The following is an entry in ClinVar:

NM_001267550.2(TTN):c.44815+2_44815+3insTT

Gene: TTN (titin; minus strand). Cytogenetic location: 2q31.2.
Variant type: Insertion.
Coding change: c.44815+2_44815+3insTT on transcript NM_001267550.2 (MANE Select); the canonical splice donor site of the intron after coding-DNA position 44815 through 3 bases into the intron after coding-DNA position 44815, TT inserted.
Molecular consequence: splice donor variant.
Genome position: GRCh38 VCF-style: chr2-178624462-T-TAA. GRCh37 (hg19) VCF-style: chr2-179489189-T-TAA.
Other names: c.17620+2_17620+3insTT (NM_003319.4); c.18196+2_18196+3insTT (NM_133437.4); c.17995+2_17995+3insTT (NM_133432.3); c.37111+2_37111+3insTT (NM_133378.4); c.39892+2_39892+3insTT (NM_001256850.1).
Identifiers: ClinVar variation 954401 (VCV000954401.11), dbSNP rs786205392, ClinGen allele CA1139657463.
Genomic context (GRCh38, chr2:178,624,462, plus strand): 5'-GTTTTGTTGTTGTAGTTATTAAAGAATTGCAAATGAAAAGTCCTTTGTAAGAAGAATACT[T>TAA]ACGCACGACATTCAGGTTACAGGAAGTCTTAAAATCCTTAGCATCACAAGTGTATGTTTT-3'

ClinVar aggregate classification (germline): Uncertain significance. Review status: criteria provided, multiple submitters, no conflicts (2 of 4 stars). 2 submissions from 2 submitters: Uncertain significance (2). Last evaluated 2025-05-20.

Conditions:
Dilated cardiomyopathy 1G (CMD1G). Identifiers: Orphanet 154, MedGen C1858763, MONDO:0011400, OMIM 604145.
Autosomal recessive limb-girdle muscular dystrophy type 2J (LGMDR10). Also called: Limb-girdle muscular dystrophy, type 2J; MUSCULAR DYSTROPHY, LIMB-GIRDLE, AUTOSOMAL RECESSIVE 10. Identifiers: Orphanet 140922, MedGen C1837342, MONDO:0012127, OMIM 608807.
Cardiovascular phenotype. Identifiers: MedGen CN230736.

Submissions (2):

Ambry Genetics
Classification: Uncertain significance for Cardiovascular phenotype. Last evaluated: 2025-05-20. Review status: criteria provided, single submitter. Criteria: Ambry Variant Classification Scheme 2023. Collection method: clinical testing. Allele origin: germline.
Comment: The c.17620+2_17620+3insTT intronic variant begins 2 nucleotides after coding exon 69 in the TTN gene, and results from an insertion of two nucleotides between c.17620+2 and c.17620+3. This nucleotide region is well conserved in available vertebrate species. In silico splice site analysis predicts that this alteration will weaken the native splice donor site. Based on the available evidence, the clinical significance of this variant remains unclear.

Labcorp Genetics (formerly Invitae), Labcorp
Classification: Uncertain significance for Dilated cardiomyopathy 1G; Autosomal recessive limb-girdle muscular dystrophy type 2J. Last evaluated: 2019-09-24. Review status: criteria provided, single submitter. Criteria: Invitae Variant Classification Sherloc (09022015). Collection method: clinical testing. Allele origin: germline.
Comment: This sequence change falls in intron 242 of the TTN gene. It does not directly change the encoded amino acid sequence of the TTN protein, but it affects a nucleotide within the consensus splice site of the intron. This variant is located in the I band of TTN (PMID: 25589632). Truncating variants in this region have been shown to be highly prevalent in the general population and unaffected individuals (PMID: 26701604, 22335739). However, truncating variants in this region have also been reported in individuals affected with autosomal recessive centronuclear myopathy (PMID: 23975875). In summary, the available evidence is currently insufficient to determine the role of this variant in disease. Therefore, it has been classified as a Variant of Uncertain Significance. Nucleotide substitutions within the consensus splice site are a relatively common cause of aberrant splicing (PMID: 17576681, 9536098). Algorithms developed to predict the effect of sequence changes on RNA splicing suggest that this variant may disrupt the consensus splice site, but this prediction has not been confirmed by published transcriptional studies. This variant has not been reported in the literature in individuals with TTN-related conditions. This variant is not present in population databases (ExAC no frequency).

Literature cited by the submitters: PubMed 25589632 (cited by Labcorp Genetics (formerly Invitae), Labcorp); PubMed 26701604 (cited by Labcorp Genetics (formerly Invitae), Labcorp); PubMed 22335739 (cited by Labcorp Genetics (formerly Invitae), Labcorp); PubMed 23975875 (cited by Labcorp Genetics (formerly Invitae), Labcorp); PubMed 17576681 (cited by Labcorp Genetics (formerly Invitae), Labcorp); PubMed 9536098 (cited by Labcorp Genetics (formerly Invitae), Labcorp).